The following is an entry in ClinVar:

ClinVar aggregate classification (germline): Uncertain significance. Review status: criteria provided, multiple submitters, no conflicts (2 of 4 stars). 2 submissions from 2 submitters: Uncertain significance (2). Last evaluated 2025-09-22.

gnomAD v4.1: 3 of 1,614,150 alleles (0.00019%); highest among the groups gnomAD compares: Non-Finnish European, 0.00025%; no homozygotes.

Submissions (2):

Ambry Genetics
Classification: Uncertain significance. Last evaluated: 2025-09-22. Review status: criteria provided, single submitter. Criteria: Ambry Variant Classification Scheme 2023. Collection method: clinical testing. Allele origin: germline.

Labcorp Genetics (formerly Invitae), Labcorp
Classification: Uncertain significance. Last evaluated: 2023-02-25. Review status: criteria provided, single submitter. Criteria: Invitae Variant Classification Sherloc (09022015). Collection method: clinical testing. Allele origin: germline.
Comment: In summary, the available evidence is currently insufficient to determine the role of this variant in disease. Therefore, it has been classified as a Variant of Uncertain Significance. An algorithm developed to predict the effect of missense changes on protein structure and function (PolyPhen-2) suggests that this variant is likely to be disruptive. This variant has not been reported in the literature in individuals affected with KIF20A-related conditions. This variant is present in population databases (no rsID available, gnomAD 0.0009%). This sequence change replaces tyrosine, which is neutral and polar, with asparagine, which is neutral and polar, at codon 159 of the KIF20A protein (p.Tyr159Asn).

NM_005733.3(KIF20A):c.475T>A (p.Tyr159Asn)

Gene: KIF20A (kinesin family member 20A; plus strand). Cytogenetic location: 5q31.2.
Variant type: single nucleotide variant.
Coding change: c.475T>A on transcript NM_005733.3 (MANE Select); coding-DNA position 475, T replaced by A.
Protein change: p.Tyr159Asn; replaces tyrosine 159 with asparagine.
Molecular consequence: missense variant.
Genome position (GRCh38, 1-based): chr5:138,182,422, T>A. VCF-style: chr5-138182422-T-A. GRCh37 (hg19) VCF-style: chr5-137518111-T-A.
Other names: c.475T>A (NM_005733.2); short protein forms Y159N.
Identifiers: ClinVar variation 2997221 (VCV002997221.4), dbSNP rs1190778802, ClinGen allele CA361113213.